The following is an entry in ClinVar:

ClinVar aggregate classification (germline): Pathogenic (1 of 4 stars; one submission).

Submission:

Labcorp Genetics (formerly Invitae), Labcorp
Classification: Pathogenic. Last evaluated: 2023-08-07. Review status: criteria provided, single submitter. Criteria: Invitae Variant Classification Sherloc (09022015). Collection method: clinical testing. Allele origin: germline.
Comment: For these reasons, this variant has been classified as Pathogenic. This variant has not been reported in the literature in individuals affected with GPR143-related conditions. This variant is not present in population databases (gnomAD no frequency). This sequence change creates a premature translational stop signal (p.Gly81Alafs*6) in the GPR143 gene. It is expected to result in an absent or disrupted protein product. Loss-of-function variants in GPR143 are known to be pathogenic (PMID: 15965158, 18978956, 19390656, 21541274, 26160353, 28211458).

Literature cited by the submitters: PubMed 15965158; PubMed 18978956; PubMed 19390656; PubMed 21541274; PubMed 26160353; PubMed 28211458.

NM_000273.3(GPR143):c.240del (p.Gly81fs)

Gene: GPR143 (G protein-coupled receptor 143; minus strand). Cytogenetic location: Xp22.2.
Variant type: Deletion.
Coding change: c.240del on transcript NM_000273.3 (MANE Select); coding-DNA position 240, one base deleted (C; older notation c.240delC).
Protein change: p.Gly81fs; shifts the reading frame from glycine 81.
Molecular consequence: frameshift variant.
Genome position (GRCh38, 1-based): chrX:9,765,578, G deleted on the plus strand (C on the coding strand, the reverse complement: GPR143 is on the minus strand). VCF-style (leftmost placement, unchanged base first): chrX-9765577-CG-C. GRCh37 (hg19) VCF-style: chrX-9733617-CG-C.
Other names: short protein forms G81fs.
Identifiers: ClinVar variation 2766612 (VCV002766612.3), dbSNP rs2518641960, ClinGen allele CA2697552848.
Genomic context (GRCh38, chrX:9,765,577, plus strand): 5'-CTCACCCAGGCGCTGATCAGATTCCAACCCGCGGGCCGCGCGCGCCCTTACCCAGGCAGC[CG>C]AGAAGGTCGCAGGCAGCGGCAGCGCGCAGGATGCGGACCGAGGCCGGCGGGGACGTCGCG-3'